The following is an entry in ClinVar:

NM_015443.4(KANSL1):c.768dup (p.Asn257Ter)

Gene: KANSL1 (KAT8 regulatory NSL complex subunit 1). Cytogenetic location: 17q21.31.
Variant type: Duplication.
Coding change: c.768dup on transcript NM_015443.4 (MANE Select); coding-DNA position 768, one base duplicated.
Protein change: p.Asn257Ter; replaces asparagine 257 with a stop codon.
Molecular consequence: nonsense. On other transcripts: intron variant (4).
Genome position: GRCh38 VCF-style: chr17-46171375-T-TA. GRCh37 (hg19) VCF-style: chr17-44248741-T-TA.
Other names: c.768dup, p.Asn257Ter (NM_001405877.1, NM_001405878.1, NM_001405879.1 and 18 more transcripts); c.23+52295dup (NM_001405885.1, NM_001405884.1, NM_001405883.1 and 1 more transcripts); short protein forms N257*.
Identifiers: ClinVar variation 3242070 (VCV003242070.1), dbSNP rs2545083658.
Genomic context (GRCh38, chr17:46,171,375, plus strand): 5'-CACTGAAAAGAATGGAAGACAGGGGAGACTTTTTACCCTCCAATTTGACACCCCCCAAGT[T>TA]AGAGCTGGAGTCTGTACCAGGTGATAATCTACTGCTTCCTTGAAGTGCCGGCTGTTCCAT-3'

ClinVar aggregate classification (germline): Likely pathogenic (1 of 4 stars; one submission).

Conditions:
Koolen-de Vries syndrome (KDVS). Identifiers: Orphanet 96169, MedGen C1864871, MONDO:0012496, OMIM 610443.

Submission:

Neuberg Centre For Genomic Medicine, NCGM
Classification: Likely pathogenic for Koolen-de Vries syndrome. Review status: criteria provided, single submitter. Criteria: ACMG Guidelines, 2015. Collection method: clinical testing. Allele origin: germline. Inheritance: Autosomal dominant inheritance. Affected: yes.
Comment: The frameshift variant c.768dup(p.Asn257Ter) in the KANSL1 gene has not been reported previously as a pathogenic variant nor as a benign variant, to our knowledge. The variant is absent in gnomAD Exomes. This variant is predicted to cause a loss of normal protein function through protein truncation. Loss of function variants has been previously reported to be disease-causing (Zollino et al., 2012). For these reasons, this variant has been classified as Likely Pathogenic.